The following is an entry in ClinVar:

NM_000038.6(APC):c.646C>A (p.Arg216=)

Gene: APC (APC regulator of Wnt signaling pathway; plus strand). Cytogenetic location: 5q22.2.
Variant type: single nucleotide variant.
Coding change: c.646C>A on transcript NM_000038.6 (MANE Select); coding-DNA position 646, C replaced by A.
Protein change: p.Arg216=; no amino-acid change (arginine 216 retained).
Molecular consequence: synonymous variant. On other transcripts: 5 prime UTR variant (4), non-coding transcript variant (2), intron variant (5).
Genome position (GRCh38, 1-based): chr5:112,792,446, C>A. VCF-style: chr5-112792446-C-A. GRCh37 (hg19) VCF-style: chr5-112128143-C-A.
Other names: c.646C>A, p.Arg216= (NM_001127510.3, NM_001354895.2, NM_001354896.2 and 12 more transcripts); c.676C>A, p.Arg226= (NM_001354897.2, NM_001354902.2, NM_001407446.1); c.571C>A, p.Arg191= (NM_001354898.2, NM_001354904.2, NM_001407451.1); c.469C>A, p.Arg157= (NM_001354900.2, NM_001354901.2, NM_001354905.2 and 1 more transcripts); c.-390C>A (NM_001354906.2, NM_001407470.1, NM_001407471.1 and 1 more transcripts); c.646-8833C>A (NM_001407452.1, NM_001407469.1, NM_001354899.2 and 1 more transcripts); c.676-8833C>A (NM_001127511.3).
Identifiers: ClinVar variation 2452681 (VCV002452681.4), dbSNP rs62619935, ClinGen allele CA445755545.

ClinVar aggregate classification (germline): Conflicting classifications of pathogenicity. Review status: criteria provided, conflicting classifications (1 of 4 stars). 2 submissions from 2 submitters: Uncertain significance (1); Likely benign (1). Last evaluated 2024-10-27.

Conditions:
Hereditary cancer-predisposing syndrome. Also called: Neoplastic Syndromes, Hereditary; Tumor predisposition; Hereditary neoplastic syndrome; Hereditary Cancer Syndrome. Identifiers: Orphanet 140162, MedGen C0027672, MeSH D009386, MONDO:0015356.
Familial adenomatous polyposis 1 (FAP1). Also called: POLYPOSIS, ADENOMATOUS INTESTINAL; FAMILIAL ADENOMATOUS POLYPOSIS 1, ATTENUATED. Identifiers: MedGen C2713442, MONDO:0021056, OMIM 175100. Disease mechanism: loss of function.

Submissions (2):

Labcorp Genetics (formerly Invitae), Labcorp
Classification: Uncertain significance for Familial adenomatous polyposis 1. Last evaluated: 2024-10-27. Review status: criteria provided, single submitter. Criteria: Invitae Variant Classification Sherloc (09022015). Collection method: clinical testing. Allele origin: germline.
Comment: This sequence change affects codon 216 of the APC mRNA. It is a 'silent' change, meaning that it does not change the encoded amino acid sequence of the APC protein. It affects a nucleotide within the consensus splice site. This variant is not present in population databases (gnomAD no frequency). This variant has not been reported in the literature in individuals affected with APC-related conditions. ClinVar contains an entry for this variant (Variation ID: 2452681). Algorithms developed to predict the effect of sequence changes on RNA splicing suggest that this variant is not likely to affect RNA splicing. In summary, the available evidence is currently insufficient to determine the role of this variant in disease. Therefore, it has been classified as a Variant of Uncertain Significance.

Ambry Genetics
Classification: Likely benign for Hereditary cancer-predisposing syndrome. Last evaluated: 2022-11-10. Review status: criteria provided, single submitter. Criteria: Ambry Variant Classification Scheme 2023. Collection method: clinical testing. Allele origin: germline.